The following is an entry in ClinVar:

ClinVar aggregate classification (germline): Uncertain significance (1 of 4 stars; one submission).

Conditions:
Episodic ataxia type 2 (EA2). Also called: ATAXIA, EPISODIC, WITH NYSTAGMUS; ATAXIA, FAMILIAL PAROXYSMAL; CEREBELLAR ATAXIA, PAROXYSMAL, ACETAZOLAMIDE-RESPONSIVE; CEREBELLOPATHY, HEREDITARY PAROXYSMAL; ACETAZOLAMIDE-RESPONSIVE HEREDITARY PAROXYSMAL CEREBELLAR ATAXIA; EPISODIC ATAXIA, NYSTAGMUS-ASSOCIATED. Identifiers: Orphanet 97, MedGen C1720416, MONDO:0007163, OMIM 108500.
Developmental and epileptic encephalopathy, 42 (DEE42A). Also called: DEVELOPMENTAL AND EPILEPTIC ENCEPHALOPATHY 42A; EPILEPTIC ENCEPHALOPATHY, EARLY INFANTILE, 42A; Epileptic encephalopathy, early infantile, 42. Identifiers: MedGen C4310716, MONDO:0014917, OMIM 617106.

Submission:

Labcorp Genetics (formerly Invitae), Labcorp
Classification: Uncertain significance for Developmental and epileptic encephalopathy, 42; Episodic ataxia type 2. Last evaluated: 2021-02-01. Review status: criteria provided, single submitter. Criteria: Invitae Variant Classification Sherloc (09022015). Collection method: clinical testing. Allele origin: germline.
Comment: In summary, the available evidence is currently insufficient to determine the role of this variant in disease. Therefore, it has been classified as a Variant of Uncertain Significance. Algorithms developed to predict the effect of missense changes on protein structure and function (SIFT, PolyPhen-2, Align-GVGD) all suggest that this variant is likely to be tolerated, but these predictions have not been confirmed by published functional studies and their clinical significance is uncertain. This variant has not been reported in the literature in individuals with CACNA1A-related conditions. This variant is not present in population databases (ExAC no frequency). This sequence change replaces proline with leucine at codon 98 of the CACNA1A protein (p.Pro98Leu). The proline residue is moderately conserved and there is a moderate physicochemical difference between proline and leucine.

NM_001127222.2(CACNA1A):c.293C>T (p.Pro98Leu)

Gene: CACNA1A (calcium voltage-gated channel subunit alpha1 A; minus strand). Cytogenetic location: 19p13.13.
Variant type: single nucleotide variant.
Coding change: c.293C>T on transcript NM_001127222.2 (MANE Select); coding-DNA position 293, C replaced by T.
Protein change: p.Pro98Leu; replaces proline 98 with leucine.
Molecular consequence: missense variant.
Genome position (GRCh38, 1-based): chr19:13,505,932, G>A on the plus strand (C>T on the coding strand, the complement: CACNA1A is on the minus strand). VCF-style: chr19-13505932-G-A. GRCh37 (hg19) VCF-style: chr19-13616746-G-A.
Other names: c.293C>T, p.Pro98Leu (NM_000068.4, NM_001127221.2, NM_001174080.2 and 1 more transcripts); short protein forms P98L.
Identifiers: ClinVar variation 1515613 (VCV001515613.8), dbSNP rs2145192098, ClinGen allele CA404970772.